The following is an entry in ClinVar:

NM_001244008.2(KIF1A):c.947G>A (p.Arg316Gln)

Gene: KIF1A (kinesin family member 1A; minus strand). Cytogenetic location: 2q37.3.
Variant type: single nucleotide variant.
Coding change: c.947G>A on transcript NM_001244008.2 (MANE Select); coding-DNA position 947, G replaced by A.
Protein change: p.Arg316Gln; replaces arginine 316 with glutamine.
Molecular consequence: missense variant.
Genome position (GRCh38, 1-based): chr2:240,775,862, C>T on the plus strand (G>A on the coding strand, the complement: KIF1A is on the minus strand). VCF-style: chr2-240775862-C-T. GRCh37 (hg19) VCF-style: chr2-241715279-C-T.
Other names: chr2-240775862-C-T; p.Arg316Gln; c.947G>A, p.Arg316Gln (NM_001320705.2, NM_001330289.2, NM_001330290.2 and 20 more transcripts); short protein forms R316Q.
Identifiers: ClinVar variation 373642 (VCV000373642.73), dbSNP rs749718096, ClinGen allele CA16042465.
Genomic context (GRCh38, chr2:240,775,862, plus strand): 5'-CCAGGGTGGGATCAGAGCCCTGGGGACAGGCAAACCCACAAGTTCTCACCCAGGTTTTCC[C>T]GGAGGAGCCAGGTCAACACGGAATCTCGGTACGGAATGAAATCTGTCTTCTTCTTTTTCT-3'
Protein context (NP_001230937.1, residues 306-326): YRDSVLTWLL[Arg316Gln]ENLGGNSRTA

ClinVar aggregate classification (germline): Conflicting classifications of pathogenicity. Review status: criteria provided, conflicting classifications (1 of 4 stars). 8 submissions from 8 submitters: Pathogenic (3); Likely pathogenic (3); Uncertain significance (1). 1 of the submissions does not count toward it. Last evaluated 2025-12-04.

Conditions:
Intellectual disability, autosomal dominant 9 (NESCAVS). Also called: KIF1A-Related Neurodevelopmental Disorder; NESCAV SYNDROME. Identifiers: Orphanet 662367, MedGen C5393830, MONDO:0013656, OMIM 614255.
Neuropathy, hereditary sensory, type 2C. Also called: Hereditary sensory and autonomic neuropathy type IIC; KIF1A-Related HSAN2 (HSAN2C). Identifiers: Orphanet 970, MedGen C3280168, MONDO:0013634, OMIM 614213.
Hereditary spastic paraplegia 30. Identifiers: Orphanet 101010, MedGen C5235139, MONDO:0012476.
Spastic paraplegia. Identifiers: MedGen C0037772, HP:0001258.
KIF1A-related disorder. Also called: KIF1A-related disorders; KIF1A-related condition.
Charcot-Marie-Tooth disease type 2. Also called: Charcot-Marie-Tooth type 2. Identifiers: Orphanet 64746, MedGen C0270914, MONDO:0018993.

Submissions (8):

Labcorp Genetics (formerly Invitae), Labcorp
Classification: Pathogenic for Hereditary spastic paraplegia 30; Neuropathy, hereditary sensory, type 2C; Intellectual disability, autosomal dominant 9. Last evaluated: 2025-12-04. Review status: criteria provided, single submitter. Criteria: Invitae Variant Classification Sherloc (09022015). Collection method: clinical testing. Allele origin: germline.
Comment: This sequence change replaces arginine, which is basic and polar, with glutamine, which is neutral and polar, at codon 316 of the KIF1A protein (p.Arg316Gln). This variant is not present in population databases (gnomAD no frequency). This missense change has been observed in individual(s) with clinical features of autosomal dominant hereditary spastic paraplegia (PMID: 32935419, 33880452). In at least one individual the variant was observed to be de novo. ClinVar contains an entry for this variant (Variation ID: 373642). Invitae Evidence Modeling of protein sequence and biophysical properties (such as structural, functional, and spatial information, amino acid conservation, physicochemical variation, residue mobility, and thermodynamic stability) indicates that this missense variant is expected to disrupt KIF1A protein function with a positive predictive value of 95%. This variant disrupts the p.Arg316 amino acid residue in KIF1A. Other variant(s) that disrupt this residue have been determined to be pathogenic (PMID: 25265257, 26125038, 26354034, 28554332). This suggests that this residue is clinically significant, and that variants that disrupt this residue are likely to be disease-causing. For these reasons, this variant has been classified as Pathogenic.

Blueprint Genetics
Classification: Pathogenic for KIF1A-related disorders. Last evaluated: 2024-10-30. Review status: criteria provided, single submitter. Criteria: ACMG Guidelines, 2015. Collection method: clinical testing. Allele origin: germline. Affected: yes. Observed: 3 variant alleles.

Laboratório de Neurologia Aplicada e Experimental, Faculdade de Medicina de Ribeirao Preto – Universidade de Sao Paulo
Classification: Likely pathogenic for Charcot-Marie-Tooth disease type 2. Last evaluated: 2021-07-20. Review status: criteria provided, single submitter. Criteria: ACMG Guidelines, 2015. Collection method: research. Allele origin: germline. Inheritance: Autosomal dominant inheritance. Affected: yes. Observed: 1 variant allele, 1 heterozygote.
Comment: The c.947G>A (p.Arg316Gln) variant in the KIF1A gene has not been described in the literature to our knowledge. This variant is not present in the population database (GnomAD and ABraOM), suggesting it is not a common benign variant in these populations. This variant is deposited in the ClinVar, but there is a conflict of interpretation (Variation ID: 373642), 1 star. This variant replaces arginine with glutamine at codon 316 of the KIF1A protein, which is highly conserved across different species. This variant is in an important functional domain of the protein (Kinesin motor domain). Additionally, a missense variant in the same amino acid (p.Arg316Trp) was described in two unrelated patients with a complex clinical picture characterized by global developmental delay, moderate to severe intellectual disability, optic nerve atrophy, cerebellar atrophy, ataxia, and spastic paraparesis (PMID: 25265257; PMID: 26354034). In summary, the p.Arg316Gln meets our criteria to be classified as likely pathogenic.

Institute of Medical Genetics and Applied Genomics, University Hospital Tübingen
Classification: Likely pathogenic. Last evaluated: 2020-10-23. Review status: criteria provided, single submitter. Criteria: ACMG Guidelines, 2015. Collection method: clinical testing. Allele origin: germline. Inheritance: Autosomal unknown. Affected: yes.

CeGaT Center for Human Genetics Tuebingen
Classification: Uncertain significance. Last evaluated: 2020-10-01. Review status: criteria provided, single submitter. Criteria: CeGaT Center For Human Genetics Tuebingen Variant Classification Criteria Version 2. Collection method: clinical testing. Allele origin: germline. Affected: yes. Observed: 1 variant allele.

GeneDx
Classification: Likely pathogenic. Last evaluated: 2016-12-09. Review status: criteria provided, single submitter. Criteria: GeneDx Variant Classification (06012015). Collection method: clinical testing. Allele origin: germline. Affected: yes.
Comment: An R316Q variant that is likely pathogenic has been identified in the KIF1A gene. The R316Q variant has not been published as a pathogenic variant, nor has it been reported as a benign variant to our knowledge. However, a missense variant at the same residue (R316W) has been previously reported as a de novo substituion in an individual with mild intellectual disability, ataxia, optic nerve atrophy, cerebellar atrophy, neuropathy, and spastic paraparesis (Lee et al., 2014). The R316Q variant is not observed in large population cohorts (Lek et al., 2016; 1000 Genomes Consortium et al., 2015; Exome Variant Server). The R316Q variant is a semi-conservative amino acid substitution, which may impact secondary protein structure as these residues differ in some properties. This substitution occurs at a position that is conserved across species, and in silico analysis predicts this variant is probably damaging to the protein structure/function. Additionally, this amino acid substitution occurs within the predicted motor domain of the protein, where all pathogenic missense KIF1A pathogenic variants have been identified to-date (Lee et al., 2014). Therefore, this variant is likely pathogenic; however, the possibility that it is benign cannot be excluded.

Paris Brain Institute, Inserm - ICM
Classification: Pathogenic for Spastic paraplegia 30A, autosomal dominant. Review status: criteria provided, single submitter. Criteria: ACMG Guidelines, 2015. Collection method: clinical testing. Allele origin: unknown. Affected: yes. Observed: 2 variant alleles.

Baylor Genetics
Classification: Uncertain significance for Spastic paraplegia. Last evaluated: 2017-09-01. Review status: flagged submission. Criteria: ACMG Guidelines, 2015. Collection method: clinical testing. Allele origin: de novo. Inheritance: Autosomal unknown. Affected: yes. Not counted in ClinVar's aggregate classification.
ClinVar note: Reason: Other submission error

Literature cited by the submitters: PubMed 32935419 (cited by Labcorp Genetics (formerly Invitae), Labcorp); PubMed 33880452 (cited by Labcorp Genetics (formerly Invitae), Labcorp); PubMed 25265257 (cited by Labcorp Genetics (formerly Invitae), Labcorp and Laboratório de Neurologia Aplicada e Experimental, Faculdade de Medicina de Ribeirao Preto – Universidade de Sao Paulo); PubMed 26125038 (cited by Labcorp Genetics (formerly Invitae), Labcorp); PubMed 26354034 (cited by Labcorp Genetics (formerly Invitae), Labcorp and Laboratório de Neurologia Aplicada e Experimental, Faculdade de Medicina de Ribeirao Preto – Universidade de Sao Paulo); PubMed 28554332 (cited by Labcorp Genetics (formerly Invitae), Labcorp); PubMed 25326635 (cited by Baylor Genetics).